The following is an entry in ClinVar:

NM_001367721.1(CASK):c.689T>C (p.Ile230Thr)

Gene: CASK (calcium/calmodulin dependent serine protein kinase; minus strand). Cytogenetic location: Xp11.4.
Variant type: single nucleotide variant.
Coding change: c.689T>C on transcript NM_001367721.1 (MANE Select); coding-DNA position 689, T replaced by C.
Protein change: p.Ile230Thr; replaces isoleucine 230 with threonine.
Molecular consequence: missense variant.
Genome position (GRCh38, 1-based): chrX:41,665,296, A>G on the plus strand (T>C on the coding strand, the complement: CASK is on the minus strand). VCF-style: chrX-41665296-A-G. GRCh37 (hg19) VCF-style: chrX-41524549-A-G.
Other names: c.689T>C, p.Ile230Thr (NM_001126054.3, NM_001126055.3, NM_001410745.1 and 1 more transcripts); short protein forms I230T.
Identifiers: ClinVar variation 2154606 (VCV002154606.4), dbSNP rs746295105, ClinGen allele CA10390346.

ClinVar aggregate classification (germline): Uncertain significance (1 of 4 stars; one submission).

Conditions:
Intellectual disability, CASK-related, X-linked. Identifiers: MedGen CN043158.

Allele frequency attached by ClinVar (database versions not stated): gnomAD exomes below 0.00001; ExAC 0.00002.
gnomAD v4.1: 3 of 1,206,652 alleles (0.00025%); highest among the groups gnomAD compares: South Asian, 0.0053%; no homozygotes.

Submission:

Labcorp Genetics (formerly Invitae), Labcorp
Classification: Uncertain significance for Intellectual disability, CASK-related, X-linked. Last evaluated: 2022-07-19. Review status: criteria provided, single submitter. Criteria: Invitae Variant Classification Sherloc (09022015). Collection method: clinical testing. Allele origin: germline.
Comment: This sequence change replaces isoleucine, which is neutral and non-polar, with threonine, which is neutral and polar, at codon 230 of the CASK protein (p.Ile230Thr). This variant is present in population databases (rs746295105, gnomAD 0.005%). This variant has not been reported in the literature in individuals affected with CASK-related conditions. Algorithms developed to predict the effect of missense changes on protein structure and function are either unavailable or do not agree on the potential impact of this missense change (SIFT: "Deleterious"; PolyPhen-2: "Probably Damaging"; Align-GVGD: "Class C0"). In summary, the available evidence is currently insufficient to determine the role of this variant in disease. Therefore, it has been classified as a Variant of Uncertain Significance.